The following is an entry in ClinVar:

ClinVar aggregate classification (germline): Conflicting classifications of pathogenicity. Review status: criteria provided, conflicting classifications (1 of 4 stars). 2 submissions from 2 submitters: Pathogenic (1); Uncertain significance (1). Last evaluated 2025-09-12.

Allele frequency attached by ClinVar (database versions not stated): gnomAD exomes below 0.00001 and 0.00002.
gnomAD v4.1: 2 of 1,456,056 alleles (0.00014%); highest among the groups gnomAD compares: Admixed American, 0.0043%; no homozygotes.

Submissions (2):

GeneDx
Classification: Uncertain significance. Last evaluated: 2025-09-12. Review status: criteria provided, single submitter. Criteria: GeneDx Variant Classification Process June 2021. Collection method: clinical testing. Allele origin: germline. Affected: yes.
Comment: Nonsense variant predicted to result in protein truncation, as the last 76 amino acid(s) are lost, and other loss-of-function variants have been reported downstream in HGMD; Has not been previously published as pathogenic or benign to our knowledge

Labcorp Genetics (formerly Invitae), Labcorp
Classification: Pathogenic. Last evaluated: 2018-07-07. Review status: criteria provided, single submitter. Criteria: Invitae Variant Classification Sherloc (09022015). Collection method: clinical testing. Allele origin: germline.
Comment: This sequence change results in a premature translational stop signal in the GDF1 gene (p.Gln297*). While this is not anticipated to result in nonsense mediated decay, it is expected to disrupt the last 77 amino acids of the GDF1 protein. For these reasons, this variant has been classified as Pathogenic. A different truncation (p.Phe349Leufs*35) that lies downstream of this variant has been determined to be likely pathogenic (Invitae). This suggests that deletion of this region of the GDF1 protein is causative of disease. This variant has not been reported in the literature in individuals with GDF1-related disease. While this variant is not present in population databases, the frequency information is unreliable, as metrics indicate poor data quality at this position in the ExAC database.

NM_001492.6(GDF1):c.889C>T (p.Gln297Ter)

Genes: CERS1 (ceramide synthase 1; minus strand), GDF1 (growth differentiation factor 1; minus strand). Cytogenetic location: 19p13.11.
Variant type: single nucleotide variant.
Coding change: c.889C>T on transcript NM_001492.6 (MANE Select); coding-DNA position 889, C replaced by T.
Protein change: p.Gln297Ter; replaces glutamine 297 with a stop codon.
Molecular consequence: nonsense. On other transcripts: 3 prime UTR variant (2).
Genome position (GRCh38, 1-based): chr19:18,868,827, G>A on the plus strand (C>T on the coding strand, the complement: GDF1 is on the minus strand). VCF-style: chr19-18868827-G-A. GRCh37 (hg19) VCF-style: chr19-18979636-G-A.
Other names: c.*1750C>T (NM_001387440.1); c.*1158C>T (NM_021267.5); c.889C>T, p.Gln297Ter (NM_001387438.1); short protein forms Q297*.
Identifiers: ClinVar variation 1073000 (VCV001073000.10), dbSNP rs1466604623, ClinGen allele CA404862150.